The following is an entry in ClinVar:

ClinVar aggregate classification (germline): Uncertain significance (1 of 4 stars; one submission).

Conditions:
Short-rib thoracic dysplasia 14 with polydactyly (SRTD14). Identifiers: Orphanet 397715, MedGen C4225286, MONDO:0014688, OMIM 616546.
Joubert syndrome 23 (JBTS23). Identifiers: Orphanet 475, MedGen C4084822, MONDO:0014664, OMIM 616490.

Allele frequency attached by ClinVar (database versions not stated): gnomAD exomes 0.00002 and 0.00001; ExAC 0.00007.
gnomAD v4.1: 4 of 1,599,366 alleles (0.00025%); highest among the groups gnomAD compares: Non-Finnish European, 0.00034%; no homozygotes.

Submission:

Labcorp Genetics (formerly Invitae), Labcorp
Classification: Uncertain significance for Joubert syndrome 23; Short-rib thoracic dysplasia 14 with polydactyly. Last evaluated: 2025-03-27. Review status: criteria provided, single submitter. Criteria: Invitae Variant Classification Sherloc (09022015). Collection method: clinical testing. Allele origin: germline.
Comment: This sequence change replaces leucine, which is neutral and non-polar, with valine, which is neutral and non-polar, at codon 1224 of the KIAA0586 protein (p.Leu1224Val). This variant is present in population databases (rs752970542, gnomAD 0.003%). This variant has not been reported in the literature in individuals affected with KIAA0586-related conditions. ClinVar contains an entry for this variant (Variation ID: 1386741). Invitae Evidence Modeling of protein sequence and biophysical properties (such as structural, functional, and spatial information, amino acid conservation, physicochemical variation, residue mobility, and thermodynamic stability) indicates that this missense variant is not expected to disrupt KIAA0586 protein function with a negative predictive value of 80%. In summary, the available evidence is currently insufficient to determine the role of this variant in disease. Therefore, it has been classified as a Variant of Uncertain Significance.

NM_001329943.3(KIAA0586):c.3511C>G (p.Leu1171Val)

Gene: KIAA0586 (KIAA0586; plus strand). Cytogenetic location: 14q23.1.
Variant type: single nucleotide variant.
Coding change: c.3511C>G on transcript NM_001329943.3 (MANE Select); coding-DNA position 3511, C replaced by G.
Protein change: p.Leu1171Val; replaces leucine 1171 with valine.
Molecular consequence: missense variant.
Genome position (GRCh38, 1-based): chr14:58,488,093, C>G. VCF-style: chr14-58488093-C-G. GRCh37 (hg19) VCF-style: chr14-58954811-C-G.
Other names: c.3670C>G, p.Leu1224Val (NM_001244189.2); c.3466C>G, p.Leu1156Val (NM_001244190.2); c.3256C>G, p.Leu1086Val (NM_001244191.2, NM_001329945.2, NM_001364700.1 and 1 more transcripts); c.3379C>G, p.Leu1127Val (NM_001244192.2); c.3091C>G, p.Leu1031Val (NM_001244193.2); c.3511C>G, p.Leu1171Val (NM_001329944.2, NM_001329946.2, NM_001329947.2); c.3283C>G, p.Leu1095Val (NM_014749.5); short protein forms L1031V, L1171V, L1095V, L1127V, L1086V, L1156V, L1224V.
Identifiers: ClinVar variation 1386741 (VCV001386741.6), dbSNP rs752970542, ClinGen allele CA7206171.